The following is an entry in ClinVar:

ClinVar aggregate classification (germline): Uncertain significance (1 of 4 stars; one submission).

Submission:

Labcorp Genetics (formerly Invitae), Labcorp
Classification: Uncertain significance. Last evaluated: 2022-06-13. Review status: criteria provided, single submitter. Criteria: Invitae Variant Classification Sherloc (09022015). Collection method: clinical testing. Allele origin: germline.
Comment: In summary, the available evidence is currently insufficient to determine the role of this variant in disease. Therefore, it has been classified as a Variant of Uncertain Significance. Experimental studies and prediction algorithms are not available or were not evaluated, and the functional significance of this variant is currently unknown. This variant has not been reported in the literature in individuals affected with MYO6-related conditions. Information on the frequency of this variant in the gnomAD database is not available, as this variant may be reported differently in the database. This sequence change replaces leucine, which is neutral and non-polar, with glutamine, which is neutral and polar, at codon 909 of the MYO6 protein (p.Leu909Gln).

NM_004999.4(MYO6):c.2726_2727delinsAA (p.Leu909Gln)

Gene: MYO6 (myosin VI; plus strand). Cytogenetic location: 6q14.1.
Variant type: Indel.
Coding change: c.2726_2727delinsAA on transcript NM_004999.4 (MANE Select); coding-DNA positions 2726 to 2727, TC replaced by AA.
Protein change: p.Leu909Gln; replaces leucine 909 with glutamine.
Molecular consequence: missense variant. On other transcripts: non-coding transcript variant (1).
Genome position (GRCh38, 1-based): chr6:75,890,124-75,890,125, TC replaced by AA. VCF-style: chr6-75890124-TC-AA. GRCh37 (hg19) VCF-style: chr6-76599841-TC-AA.
Other names: c.2726_2727delinsAA, p.Leu909Gln (NM_001300899.2, NM_001368136.1, NM_001368137.1 and 2 more transcripts); c.2711_2712delinsAA, p.Leu904Gln (NM_001368138.1); short protein forms L904Q, L909Q.
Identifiers: ClinVar variation 1476190 (VCV001476190.8), dbSNP rs2149367706, ClinGen allele CA2573141239.